The following is an entry in ClinVar:

NM_177400.3(NKX6-2):c.737C>T (p.Ser246Leu)

Gene: NKX6-2 (NK6 homeobox 2; minus strand). Cytogenetic location: 10q26.3.
Variant type: single nucleotide variant.
Coding change: c.737C>T on transcript NM_177400.3 (MANE Select); coding-DNA position 737, C replaced by T.
Protein change: p.Ser246Leu; replaces serine 246 with leucine.
Molecular consequence: missense variant.
Genome position (GRCh38, 1-based): chr10:132,785,013, G>A on the plus strand (C>T on the coding strand, the complement: NKX6-2 is on the minus strand). VCF-style: chr10-132785013-G-A. GRCh37 (hg19) VCF-style: chr10-134598517-G-A.
Other names: short protein forms S246L.
Identifiers: ClinVar variation 1436013 (VCV001436013.5), dbSNP rs758031501, ClinGen allele CA5755996.
Genomic context (GRCh38, chr10:132,785,013, plus strand): 5'-ACCAGCGCCAAGTTCGAGGGTTTGTGCTTCTTGAGCAGCCGCGTGATCTTCTCGTCGTCC[G>A]AGTTGGGGTCCAGGGGCCGGTTGTATTCGTCGTCGTCCTCCGCGTCCGAGCCGCCCACCT-3'
Protein context (NP_796374.2, residues 236-256): DEYNRPLDPN[Ser246Leu]DDEKITRLLK

ClinVar aggregate classification (germline): Uncertain significance (1 of 4 stars; one submission).

Allele frequency attached by ClinVar (database versions not stated): gnomAD exomes below 0.00001 and 0.00001; ExAC 0.00001; gnomAD 0.00004 and 0.00005; TOPMed 0.00004.

Submission:

Labcorp Genetics (formerly Invitae), Labcorp
Classification: Uncertain significance. Last evaluated: 2022-06-13. Review status: criteria provided, single submitter. Criteria: Invitae Variant Classification Sherloc (09022015). Collection method: clinical testing. Allele origin: germline.
Comment: This sequence change replaces serine, which is neutral and polar, with leucine, which is neutral and non-polar, at codon 246 of the NKX6-2 protein (p.Ser246Leu). This variant is present in population databases (rs758031501, gnomAD 0.01%). This variant has not been reported in the literature in individuals affected with NKX6-2-related conditions. Algorithms developed to predict the effect of missense changes on protein structure and function are either unavailable or do not agree on the potential impact of this missense change (SIFT: "Deleterious"; PolyPhen-2: "Probably Damaging"; Align-GVGD: "Class C0"). In summary, the available evidence is currently insufficient to determine the role of this variant in disease. Therefore, it has been classified as a Variant of Uncertain Significance.